The following is an entry in ClinVar:

NM_001401501.2(MUC16):c.10130C>T (p.Ser3377Leu)

Gene: MUC16 (mucin 16, cell surface associated; minus strand). Cytogenetic location: 19p13.2.
Variant type: single nucleotide variant.
Coding change: c.10130C>T on transcript NM_001401501.2 (MANE Select); coding-DNA position 10130, C replaced by T.
Protein change: p.Ser3377Leu; replaces serine 3377 with leucine.
Molecular consequence: missense variant.
Genome position (GRCh38, 1-based): chr19:8,966,760, G>A on the plus strand (C>T on the coding strand, the complement: MUC16 is on the minus strand). VCF-style: chr19-8966760-G-A. GRCh37 (hg19) VCF-style: chr19-9077436-G-A.
Other names: c.10556C>T, p.Ser3519Leu (NM_001414686.1); c.10010C>T, p.Ser3337Leu (NM_001414687.1, NM_024690.2); short protein forms S3337L, S3377L, S3519L.
Identifiers: ClinVar variation 3059000 (VCV003059000.2), dbSNP rs1862462, ClinGen allele CA9171552.
Genomic context (GRCh38, chr19:8,966,760, plus strand): 5'-TCCCCTGTGGTCCCTCCAGTAGAGCCATGCCACATAGAGAATTCCATTCCAGTTGTCTTT[G>A]AAACCAGTTCTGGACTGCTTTGCTGACCAGTCCCTGTGATGCTTCTAGCAGTTGGTGACT-3'
Protein context (NP_001388430.1, residues 3367-3387): TGQQSSPELV[Ser3377Leu]KTTGMEFSMW

ClinVar aggregate classification (germline): Benign (0 of 4 stars; one submission).

Conditions:
MUC16-related disorder. Also called: MUC16-related condition.

Allele frequency attached by ClinVar (database versions not stated): 1000 Genomes Project 0.24820; 1000 Genomes Project 30x 0.24906; gnomAD 0.25952; TOPMed 0.26154; ExAC 0.26290; ESP Exome Variant Server 0.26373; gnomAD exomes 0.29282.

Submission:

PreventionGenetics, part of Exact Sciences
Classification: Benign for MUC16-related condition. Last evaluated: 2019-10-22. Review status: no assertion criteria provided. Collection method: clinical testing. Allele origin: germline.
Comment: This variant is classified as benign based on ACMG/AMP sequence variant interpretation guidelines (Richards et al. 2015 PMID: 25741868, with internal and published modifications).